The following is an entry in ClinVar:

NM_001130438.3(SPTAN1):c.5262C>T (p.Ile1754=)

Gene: SPTAN1 (spectrin alpha, non-erythrocytic 1; plus strand). Cytogenetic location: 9q34.11.
Variant type: single nucleotide variant.
Coding change: c.5262C>T on transcript NM_001130438.3 (MANE Select); coding-DNA position 5262, C replaced by T.
Protein change: p.Ile1754=; no amino-acid change (isoleucine 1754 retained).
Molecular consequence: synonymous variant.
Genome position (GRCh38, 1-based): chr9:128,615,745, C>T. VCF-style: chr9-128615745-C-T. GRCh37 (hg19) VCF-style: chr9-131378024-C-T.
Other names: c.5187C>T, p.Ile1729= (NM_001195532.2); c.5262C>T, p.Ile1754= (NM_001363759.2, NM_001375310.1, NM_001375311.2 and 1 more transcripts); c.5202C>T, p.Ile1734= (NM_001363765.2, NM_001375314.2); c.5298C>T, p.Ile1766= (NM_001375312.2, NM_001375318.1); c.5247C>T, p.Ile1749= (NM_003127.4).
Identifiers: ClinVar variation 1701583 (VCV001701583.31), dbSNP rs1334875679, ClinGen allele CA467303525.

ClinVar aggregate classification (germline): Likely benign (1 of 4 stars; one submission).

Allele frequency attached by ClinVar (database versions not stated): TOPMed below 0.00001; gnomAD 0.00001.
gnomAD v4.1: 4 of 1,614,118 alleles (0.00025%); highest among the groups gnomAD compares: Non-Finnish European, 0.00034%; no homozygotes.

Submission:

CeGaT Center for Human Genetics Tuebingen
Classification: Likely benign. Last evaluated: 2022-07-01. Review status: criteria provided, single submitter. Criteria: CeGaT Center For Human Genetics Tuebingen Variant Classification Criteria Version 2. Collection method: clinical testing. Allele origin: germline. Affected: yes. Observed: 1 variant allele.
Comment: SPTAN1: BP4, BP7